The following is an entry in ClinVar:

NM_001330588.2(TPP2):c.256G>C (p.Asp86His)

Gene: TPP2 (tripeptidyl peptidase 2; plus strand). Cytogenetic location: 13q33.1.
Variant type: single nucleotide variant.
Coding change: c.256G>C on transcript NM_001330588.2 (MANE Select); coding-DNA position 256, G replaced by C.
Protein change: p.Asp86His; replaces aspartic acid 86 with histidine.
Molecular consequence: missense variant. On other transcripts: non-coding transcript variant (1).
Genome position (GRCh38, 1-based): chr13:102,604,883, G>C. VCF-style: chr13-102604883-G-C. GRCh37 (hg19) VCF-style: chr13-103257233-G-C.
Other names: c.256G>C, p.Asp86His (NM_001367947.1, NM_003291.4); c.256G>C (NM_003291.2); short protein forms D86H.
Identifiers: ClinVar variation 1350631 (VCV001350631.6), dbSNP rs779694067, ClinGen allele CA7037447.

ClinVar aggregate classification (germline): Uncertain significance. Review status: criteria provided, multiple submitters, no conflicts (2 of 4 stars). 2 submissions from 2 submitters: Uncertain significance (2). Last evaluated 2022-12-21.

Conditions:
Evans syndrome, immunodeficiency, and premature immunosenescence associated with tripeptidyl-peptidase II deficiency. Identifiers: MedGen CN231723. Disease mechanism: loss of function.
Inborn genetic diseases. Identifiers: MedGen C0950123, MeSH D030342.

Allele frequency attached by ClinVar (database versions not stated): gnomAD exomes 0.00001 and 0.00003; gnomAD 0.00003 and 0.00004; ExAC 0.00004; TOPMed 0.00007.
gnomAD v4.1: 20 of 1,613,986 alleles (0.0012%); highest among the groups gnomAD compares: Admixed American, 0.025%; no homozygotes.

Submissions (2):

Ambry Genetics
Classification: Uncertain significance for Inborn genetic diseases. Last evaluated: 2022-12-21. Review status: criteria provided, single submitter. Criteria: Ambry Variant Classification Scheme 2023. Collection method: clinical testing. Allele origin: germline.

Labcorp Genetics (formerly Invitae), Labcorp
Classification: Uncertain significance for Evans syndrome, immunodeficiency, and premature immunosenescence associated with tripeptidyl-peptidase II deficiency. Last evaluated: 2022-07-30. Review status: criteria provided, single submitter. Criteria: Invitae Variant Classification Sherloc (09022015). Collection method: clinical testing. Allele origin: germline.
Comment: This sequence change replaces aspartic acid, which is acidic and polar, with histidine, which is basic and polar, at codon 86 of the TPP2 protein (p.Asp86His). This variant is present in population databases (rs779694067, gnomAD 0.02%). This variant has not been reported in the literature in individuals affected with TPP2-related conditions. ClinVar contains an entry for this variant (Variation ID: 1350631). Algorithms developed to predict the effect of missense changes on protein structure and function are either unavailable or do not agree on the potential impact of this missense change (SIFT: "Deleterious"; PolyPhen-2: "Probably Damaging"; Align-GVGD: "Class C0"). In summary, the available evidence is currently insufficient to determine the role of this variant in disease. Therefore, it has been classified as a Variant of Uncertain Significance.